The following is an entry in ClinVar:

NM_001365276.2(TNXB):c.8116G>A (p.Gly2706Ser)

Gene: TNXB (tenascin XB; minus strand). Cytogenetic location: 6p21.33.
Variant type: single nucleotide variant.
Coding change: c.8116G>A on transcript NM_001365276.2 (MANE Select); coding-DNA position 8116, G replaced by A.
Protein change: p.Gly2706Ser; replaces glycine 2706 with serine.
Molecular consequence: missense variant.
Genome position (GRCh38, 1-based): chr6:32,056,613, C>T on the plus strand (G>A on the coding strand, the complement: TNXB is on the minus strand). VCF-style: chr6-32056613-C-T. GRCh37 (hg19) VCF-style: chr6-32024390-C-T.
Other names: c.8116G>A, p.Gly2706Ser (NM_019105.8); short protein forms G2706S.
Identifiers: ClinVar variation 1321772 (VCV001321772.3), dbSNP rs1299342475, ClinGen allele CA363549701.

ClinVar aggregate classification (germline): Uncertain significance. Review status: criteria provided, multiple submitters, no conflicts (2 of 4 stars). 2 submissions from 2 submitters: Uncertain significance (2). Last evaluated 2024-06-14.

Conditions:
Cardiovascular phenotype. Identifiers: MedGen CN230736.

Allele frequency attached by ClinVar (database versions not stated): gnomAD exomes below 0.00001; TOPMed below 0.00001; gnomAD 0.00001.
gnomAD v4.1: 8 of 1,612,962 alleles (0.0005%); highest among the groups gnomAD compares: Non-Finnish European, 0.00068%; no homozygotes.

Submissions (2):

Ambry Genetics
Classification: Uncertain significance for Cardiovascular phenotype. Last evaluated: 2024-06-14. Review status: criteria provided, single submitter. Criteria: Ambry Variant Classification Scheme 2023. Collection method: clinical testing. Allele origin: germline.
Comment: The p.G2706S variant (also known as c.8116G>A), located in coding exon 22 of the TNXB gene, results from a G to A substitution at nucleotide position 8116. The glycine at codon 2706 is replaced by serine, an amino acid with similar properties. This amino acid position is conserved. In addition, this alteration is predicted to be tolerated by in silico analysis. Based on the available evidence, the clinical significance of this variant remains unclear.

GeneDx
Classification: Uncertain significance. Last evaluated: 2021-05-06. Review status: criteria provided, single submitter. Criteria: GeneDx Variant Classification Process June 2021. Collection method: clinical testing. Allele origin: germline. Affected: yes.
Comment: Has not been previously published as pathogenic or benign to our knowledge; Not observed at a significant frequency in large population cohorts (Lek et al., 2016); In silico analysis supports that this missense variant has a deleterious effect on protein structure/function